The following is an entry in ClinVar:

ClinVar aggregate classification (germline): Uncertain significance (1 of 4 stars; one submission).

Allele frequency attached by ClinVar (database versions not stated): gnomAD exomes below 0.00001; ExAC 0.00001; gnomAD 0.00001.
gnomAD v4.1: 4 of 1,606,592 alleles (0.00025%); highest among the groups gnomAD compares: East Asian, 0.0067%; no homozygotes.

Submission:

Labcorp Genetics (formerly Invitae), Labcorp
Classification: Uncertain significance. Last evaluated: 2025-12-08. Review status: criteria provided, single submitter. Criteria: Invitae Variant Classification Sherloc (09022015). Collection method: clinical testing. Allele origin: germline.
Comment: This sequence change affects codon 613 of the IL6ST mRNA. It is a 'silent' change, meaning that it does not change the encoded amino acid sequence of the IL6ST protein. It affects a nucleotide within the consensus splice site. This variant is present in population databases (rs762546075, gnomAD 0.01%). This variant has not been reported in the literature in individuals affected with IL6ST-related conditions. ClinVar contains an entry for this variant (Variation ID: 1926089). Algorithms developed to predict the effect of sequence changes on RNA splicing suggest that this variant is not likely to affect RNA splicing. In summary, the available evidence is currently insufficient to determine the role of this variant in disease. Therefore, it has been classified as a Variant of Uncertain Significance.

NM_002184.4(IL6ST):c.1839T>C (p.Phe613=)

Gene: IL6ST (interleukin 6 cytokine family signal transducer; minus strand). Cytogenetic location: 5q11.2.
Variant type: single nucleotide variant.
Coding change: c.1839T>C on transcript NM_002184.4 (MANE Select); coding-DNA position 1839, T replaced by C.
Protein change: p.Phe613=; no amino-acid change (phenylalanine 613 retained).
Molecular consequence: synonymous variant. On other transcripts: 3 prime UTR variant (1), non-coding transcript variant (2).
Genome position (GRCh38, 1-based): chr5:55,951,465, A>G on the plus strand (T>C on the coding strand, the complement: IL6ST is on the minus strand). VCF-style: chr5-55951465-A-G. GRCh37 (hg19) VCF-style: chr5-55247293-A-G.
Other names: c.1656T>C, p.Phe552= (NM_001190981.2); c.1737T>C, p.Phe579= (NM_001364275.2); c.1629T>C, p.Phe543= (NM_001364276.2); c.972T>C, p.Phe324= (NM_001364277.2); c.936T>C, p.Phe312= (NM_001364278.2); c.843T>C, p.Phe281= (NM_001364279.2); c.*766T>C (NM_175767.3).
Identifiers: ClinVar variation 1926089 (VCV001926089.5), dbSNP rs762546075, ClinGen allele CA3271320.